The following is an entry in ClinVar:

NM_014832.5(TBC1D4):c.3440C>T (p.Thr1147Met)

Gene: TBC1D4 (TBC1 domain family member 4; minus strand). Cytogenetic location: 13q22.2.
Variant type: single nucleotide variant.
Coding change: c.3440C>T on transcript NM_014832.5 (MANE Select); coding-DNA position 3440, C replaced by T.
Protein change: p.Thr1147Met; replaces threonine 1147 with methionine.
Molecular consequence: missense variant.
Genome position (GRCh38, 1-based): chr13:75,292,148, G>A on the plus strand (C>T on the coding strand, the complement: TBC1D4 is on the minus strand). VCF-style: chr13-75292148-G-A. GRCh37 (hg19) VCF-style: chr13-75866284-G-A.
Other names: c.3416C>T, p.Thr1139Met (NM_001286658.2); c.3251C>T, p.Thr1084Met (NM_001286659.2); short protein forms T1147M, T1084M, T1139M.
Identifiers: ClinVar variation 130552 (VCV000130552.8), dbSNP rs9600455, ClinGen allele CA214721.

ClinVar aggregate classification (germline): Benign. Review status: criteria provided, multiple submitters, no conflicts (2 of 4 stars). 3 submissions from 3 submitters: Benign (2). 1 of the submissions does not count toward it. Last evaluated 2021-06-09.

Allele frequency attached by ClinVar (database versions not stated): 1000 Genomes Project 0.03634; 1000 Genomes Project 30x 0.03701; gnomAD 0.07680 and 0.07900; TOPMed 0.07735; gnomAD exomes 0.08153 and 0.10506; ExAC 0.08198; ESP Exome Variant Server 0.08960.
gnomAD v4.1: 164,731 of 1,609,120 alleles (10%); highest among the groups gnomAD compares: Non-Finnish European, 12%; 9,775 homozygotes.

Submissions (3):

GeneDx
Classification: Benign. Last evaluated: 2021-06-09. Review status: criteria provided, single submitter. Criteria: GeneDx Variant Classification Process June 2021. Collection method: clinical testing. Allele origin: germline. Affected: yes.

Breakthrough Genomics
Classification: Benign. Review status: criteria provided, single submitter. Criteria: ACMG Guidelines, 2015. Collection method: not provided. Allele origin: germline. Inheritance: Unknown mechanism. Affected: yes.

Genetic Services Laboratory, University of Chicago
Classification: Likely benign for AllHighlyPenetrant. Review status: no assertion criteria provided. Collection method: clinical testing. Allele origin: germline. Inheritance: Autosomal dominant inheritance. Not counted in ClinVar's aggregate classification.
Comment: Likely benign based on allele frequency in 1000 Genomes Project or ESP global frequency and its presence in a patient with a rare or unrelated disease phenotype. NOT Sanger confirmed.